The following is an entry in ClinVar:

ClinVar aggregate classification (germline): Uncertain significance. Review status: criteria provided, multiple submitters, no conflicts (2 of 4 stars). 2 submissions from 2 submitters: Uncertain significance (2). Last evaluated 2022-03-26.

Conditions:
Aicardi-Goutieres syndrome 2. Identifiers: Orphanet 51, MedGen C3489724, MONDO:0012429, OMIM 610181.
Inborn genetic diseases. Identifiers: MedGen C0950123, MeSH D030342.

Submissions (2):

Labcorp Genetics (formerly Invitae), Labcorp
Classification: Uncertain significance for Aicardi-Goutieres syndrome 2. Last evaluated: 2022-03-26. Review status: criteria provided, single submitter. Criteria: Invitae Variant Classification Sherloc (09022015). Collection method: clinical testing. Allele origin: germline.
Comment: Algorithms developed to predict the effect of missense changes on protein structure and function are either unavailable or do not agree on the potential impact of this missense change (SIFT: "Deleterious"; PolyPhen-2: "Probably Damaging"; Align-GVGD: "Class C0"). In summary, the available evidence is currently insufficient to determine the role of this variant in disease. Therefore, it has been classified as a Variant of Uncertain Significance. This variant has not been reported in the literature in individuals affected with RNASEH2B-related conditions. This sequence change replaces leucine, which is neutral and non-polar, with phenylalanine, which is neutral and non-polar, at codon 52 of the RNASEH2B protein (p.Leu52Phe). This variant is not present in population databases (gnomAD no frequency).

Ambry Genetics
Classification: Uncertain significance for Inborn genetic diseases. Last evaluated: 2021-07-30. Review status: criteria provided, single submitter. Criteria: Ambry Variant Classification Scheme 2023. Collection method: clinical testing. Allele origin: germline.

NM_024570.4(RNASEH2B):c.156G>T (p.Leu52Phe)

Gene: RNASEH2B (ribonuclease H2 subunit B; plus strand). Cytogenetic location: 13q14.3.
Variant type: single nucleotide variant.
Coding change: c.156G>T on transcript NM_024570.4 (MANE Select); coding-DNA position 156, G replaced by T.
Protein change: p.Leu52Phe; replaces leucine 52 with phenylalanine.
Molecular consequence: missense variant.
Genome position (GRCh38, 1-based): chr13:50,929,494, G>T. VCF-style: chr13-50929494-G-T. GRCh37 (hg19) VCF-style: chr13-51503630-G-T.
Other names: c.156G>T, p.Leu52Phe (NM_001142279.2, NM_001411023.1); short protein forms L52F.
Identifiers: ClinVar variation 2117923 (VCV002117923.5), dbSNP rs35416748, ClinGen allele CA388258703.
Genomic context (GRCh38, chr13:50,929,494, plus strand): 5'-GTGTGAAAACTTACAAATAAAAGACAGATTTGTCTTAACAGGAGAAGGAGCCATTTACTT[G>T]TTCAATATGTGTCTACAGCAGCTGTTTGAAGTAAAAGTTTTCAAGGAAAAACACCATTCT-3'
Protein context (NP_078846.2, residues 42-62): NPCSGEGAIY[Leu52Phe]FNMCLQQLFE